The following is an entry in ClinVar:

ClinVar aggregate classification (germline): Uncertain significance (1 of 4 stars; one submission).

Conditions:
Charcot-Marie-Tooth disease axonal type 2F (CMT2F). Also called: CHARCOT-MARIE-TOOTH DISEASE, NEURONAL, TYPE 2F; Charcot-Marie-Tooth Neuropathy Type 2F. Identifiers: Orphanet 99940, MedGen C1847823, MONDO:0011687, OMIM 606595.

Submission:

Labcorp Genetics (formerly Invitae), Labcorp
Classification: Uncertain significance for Charcot-Marie-Tooth disease axonal type 2F. Last evaluated: 2019-03-14. Review status: criteria provided, single submitter. Criteria: Invitae Variant Classification Sherloc (09022015). Collection method: clinical testing. Allele origin: germline.
Comment: Algorithms developed to predict the effect of missense changes on protein structure and function output the following: SIFT: "Tolerated"; PolyPhen-2: "Benign"; Align-GVGD: "Class C0". The proline amino acid residue is found in multiple mammalian species, suggesting that this missense change does not adversely affect protein function. These predictions have not been confirmed by published functional studies and their clinical significance is uncertain. This variant has not been reported in the literature in individuals with HSPB1-related conditions. The frequency data for this variant in the population databases is considered unreliable, as metrics indicate insufficient coverage at this position in the ExAC database. This sequence change replaces alanine with proline at codon 62 of the HSPB1 protein (p.Ala62Pro). The alanine residue is weakly conserved and there is a small physicochemical difference between alanine and proline. In summary, the available evidence is currently insufficient to determine the role of this variant in disease. Therefore, it has been classified as a Variant of Uncertain Significance.

NM_001540.5(HSPB1):c.184G>C (p.Ala62Pro)

Gene: HSPB1 (heat shock protein family B (small) member 1; plus strand). Cytogenetic location: 7q11.23.
Variant type: single nucleotide variant.
Coding change: c.184G>C on transcript NM_001540.5 (MANE Select); coding-DNA position 184, G replaced by C.
Protein change: p.Ala62Pro; replaces alanine 62 with proline.
Molecular consequence: missense variant.
Genome position (GRCh38, 1-based): chr7:76,302,896, G>C. VCF-style: chr7-76302896-G-C. GRCh37 (hg19) VCF-style: chr7-75932213-G-C.
Other names: short protein forms A62P.
Identifiers: ClinVar variation 836232 (VCV000836232.9), dbSNP rs1064796602, ClinGen allele CA367763065.
Genomic context (GRCh38, chr7:76,302,896, plus strand): 5'-TGGTCGCAGTGGTTAGGCGGCAGCAGCTGGCCAGGCTACGTGCGCCCCCTGCCCCCCGCC[G>C]CCATCGAGAGCCCCGCAGTGGCCGCGCCCGCCTACAGCCGCGCGCTCAGCCGGCAACTCA-3'
Protein context (NP_001531.1, residues 52-72): PGYVRPLPPA[Ala62Pro]IESPAVAAPA